The following is an entry in ClinVar:

ClinVar aggregate classification (germline): Likely benign (0 of 4 stars; one submission).

Conditions:
MAP3K6-related disorder. Also called: MAP3K6-related condition.

Allele frequency attached by ClinVar (database versions not stated): gnomAD exomes 0.00007; 1000 Genomes Project 0.00080; gnomAD 0.00084; TOPMed 0.00094; 1000 Genomes Project 30x 0.00109; ExAC 0.00172.
gnomAD v4.1: 213 of 1,337,820 alleles (0.016%); highest among the groups gnomAD compares: African/African-American, 0.29%; 1 homozygote.

Submission:

PreventionGenetics, part of Exact Sciences
Classification: Likely benign for MAP3K6-related condition. Last evaluated: 2019-05-23. Review status: no assertion criteria provided. Collection method: clinical testing. Allele origin: germline.
Comment: This variant is classified as likely benign based on ACMG/AMP sequence variant interpretation guidelines (Richards et al. 2015 PMID: 25741868, with internal and published modifications).

NM_004672.5(MAP3K6):c.318T>C (p.Ala106=)

Gene: MAP3K6 (mitogen-activated protein kinase kinase kinase 6; minus strand). Cytogenetic location: 1p36.11.
Variant type: single nucleotide variant.
Coding change: c.318T>C on transcript NM_004672.5 (MANE Select); coding-DNA position 318, T replaced by C.
Protein change: p.Ala106=; no amino-acid change (alanine 106 retained).
Molecular consequence: synonymous variant.
Genome position (GRCh38, 1-based): chr1:27,366,280, A>G on the plus strand (T>C on the coding strand, the complement: MAP3K6 is on the minus strand). VCF-style: chr1-27366280-A-G. GRCh37 (hg19) VCF-style: chr1-27692771-A-G.
Other names: c.318T>C, p.Ala106= (NM_001297609.2).
Identifiers: ClinVar variation 3038960 (VCV003038960.2), dbSNP rs537500636, ClinGen allele CA714159.